The following is an entry in ClinVar:

ClinVar aggregate classification (germline): Uncertain significance. Review status: criteria provided, multiple submitters, no conflicts (2 of 4 stars). 3 submissions from 3 submitters: Uncertain significance (3). Last evaluated 2025-05-19.

Allele frequency attached by ClinVar (database versions not stated): TOPMed 0.00012; ESP Exome Variant Server 0.00015; gnomAD exomes 0.00015; 1000 Genomes Project 30x 0.00016; gnomAD 0.00017; 1000 Genomes Project 0.00020; ExAC 0.00023.
gnomAD v4.1: 323 of 1,594,838 alleles (0.02%); highest among the groups gnomAD compares: Non-Finnish European, 0.026%; no homozygotes.

Submissions (5):

Ambry Genetics
Classification: Uncertain significance. Last evaluated: 2025-05-19. Review status: criteria provided, single submitter. Criteria: Ambry Variant Classification Scheme 2023. Collection method: clinical testing. Allele origin: germline.

Labcorp Genetics (formerly Invitae), Labcorp
Classification: Uncertain significance. Last evaluated: 2025-05-04. Review status: criteria provided, single submitter. Criteria: Invitae Variant Classification Sherloc (09022015). Collection method: clinical testing. Allele origin: germline.
Comment: This sequence change replaces leucine, which is neutral and non-polar, with phenylalanine, which is neutral and non-polar, at codon 373 of the IFT57 protein (p.Leu373Phe). This variant is present in population databases (rs200995912, gnomAD 0.02%). This variant has not been reported in the literature in individuals affected with IFT57-related conditions. ClinVar contains an entry for this variant (Variation ID: 1496622). An algorithm developed to predict the effect of missense changes on protein structure and function (PolyPhen-2) suggests that this variant is likely to be disruptive. In summary, the available evidence is currently insufficient to determine the role of this variant in disease. Therefore, it has been classified as a Variant of Uncertain Significance.

Breakthrough Genomics
Classification: Uncertain significance. Review status: criteria provided, single submitter. Criteria: ACMG Guidelines, 2015. Collection method: not provided. Allele origin: germline. Inheritance: Autosomal recessive inheritance. Affected: yes.

Dr. Peter K. Rogan Lab, Western University
No classification provided (evidence only). Condition: Cervical cancer. Review status: no classification provided. Collection method: in vitro. Allele origin: not applicable. Functional consequence: retained intron. Not counted in ClinVar's aggregate classification.

Dr. Peter K. Rogan Lab, Western University
No classification provided (evidence only). Condition: Ovarian serous cystadenocarcinoma. Review status: no classification provided. Collection method: in vitro. Allele origin: not applicable. Functional consequence: retained intron. Not counted in ClinVar's aggregate classification.

NM_018010.4(IFT57):c.1119G>T (p.Leu373Phe)

Gene: IFT57 (intraflagellar transport 57; minus strand). Cytogenetic location: 3q13.12.
Variant type: single nucleotide variant.
Coding change: c.1119G>T on transcript NM_018010.4 (MANE Select); coding-DNA position 1119, G replaced by T.
Protein change: p.Leu373Phe; replaces leucine 373 with phenylalanine.
Molecular consequence: missense variant.
Genome position (GRCh38, 1-based): chr3:108,162,648, C>A on the plus strand (G>T on the coding strand, the complement: IFT57 is on the minus strand). VCF-style: chr3-108162648-C-A. GRCh37 (hg19) VCF-style: chr3-107881495-C-A.
Other names: c.1119G>T (NM_018010.3); short protein forms L373F.
Identifiers: ClinVar variation 1496622 (VCV001496622.11), dbSNP rs200995912, ClinGen allele CA2526452.
Genomic context (GRCh38, chr3:108,162,648, plus strand): 5'-TCTAATGTCCATCTCTACAGTTTCTTGCTTCAGTTTTGTTAAGCTCTGTTTAATCTTCAC[C>A]AAAGGAGCTGCAGAATGAAAATAACATGAAATAAAAATGTTCATTTGGAGTATCAGTGTA-3'
Protein context (NP_060480.1, residues 363-383): KGSSMTDGAP[Leu373Phe]VKIKQSLTKL